The following is an entry in ClinVar:

NM_004924.6(ACTN4):c.759C>T (p.Asp253=)

Gene: ACTN4 (actinin alpha 4; plus strand). Cytogenetic location: 19q13.2.
Variant type: single nucleotide variant.
Coding change: c.759C>T on transcript NM_004924.6 (MANE Select); coding-DNA position 759, C replaced by T.
Protein change: p.Asp253=; no amino-acid change (aspartic acid 253 retained).
Molecular consequence: synonymous variant. On other transcripts: intron variant (2).
Genome position (GRCh38, 1-based): chr19:38,710,282, C>T. VCF-style: chr19-38710282-C-T. GRCh37 (hg19) VCF-style: chr19-39200922-C-T.
Other names: c.733+806C>T (NM_001411143.1, NM_001322033.2).
Identifiers: ClinVar variation 2649819 (VCV002649819.24), dbSNP rs749219690, ClinGen allele CA9417391.

ClinVar aggregate classification (germline): Likely benign (1 of 4 stars; one submission).

Allele frequency attached by ClinVar (database versions not stated): gnomAD exomes 0.00002; gnomAD 0.00003; ExAC 0.00004; TOPMed 0.00004.
gnomAD v4.1: 34 of 1,614,034 alleles (0.0021%); highest among the groups gnomAD compares: African/African-American, 0.004%; no homozygotes.

Submission:

CeGaT Center for Human Genetics Tuebingen
Classification: Likely benign. Last evaluated: 2022-04-01. Review status: criteria provided, single submitter. Criteria: CeGaT Center For Human Genetics Tuebingen Variant Classification Criteria Version 2. Collection method: clinical testing. Allele origin: germline. Affected: yes. Observed: 1 variant allele.
Comment: ACTN4: BP4, BP7